The following is an entry in ClinVar:

ClinVar aggregate classification (germline): Uncertain significance (1 of 4 stars; one submission).

Submission:

GeneDx
Classification: Uncertain significance. Last evaluated: 2025-08-03. Review status: criteria provided, single submitter. Criteria: GeneDx Variant Classification Process June 2021. Collection method: clinical testing. Allele origin: germline. Affected: yes.
Comment: Not observed at significant frequency in large population cohorts (gnomAD); In silico analysis suggests this variant may impact gene splicing. In the absence of RNA/functional studies, the actual effect of this sequence change is unknown.; Has not been previously published as pathogenic or benign to our knowledge

NM_001320.7(CSNK2B):c.291+4A>C

Gene: CSNK2B (casein kinase 2 beta; plus strand). Cytogenetic location: 6p21.33.
Variant type: single nucleotide variant.
Coding change: c.291+4A>C on transcript NM_001320.7 (MANE Select); 4 bases into the intron after coding-DNA position 291, A replaced by C.
Molecular consequence: intron variant.
Genome position (GRCh38, 1-based): chr6:31,668,658, A>C. VCF-style: chr6-31668658-A-C. GRCh37 (hg19) VCF-style: chr6-31636435-A-C.
Other names: c.291+4A>C (NM_001282385.2).
Identifiers: ClinVar variation 4755891 (VCV004755891.1).